The following is an entry in ClinVar:

NM_022455.5(NSD1):c.5781C>G (p.Ala1927=)

Gene: NSD1 (nuclear receptor binding SET domain protein 1; plus strand). Cytogenetic location: 5q35.3.
Variant type: single nucleotide variant.
Coding change: c.5781C>G on transcript NM_022455.5 (MANE Select); coding-DNA position 5781, C replaced by G.
Protein change: p.Ala1927=; no amino-acid change (alanine 1927 retained).
Molecular consequence: synonymous variant.
Genome position (GRCh38, 1-based): chr5:177,280,723, C>G. VCF-style: chr5-177280723-C-G. GRCh37 (hg19) VCF-style: chr5-176707724-C-G.
Other names: c.4908C>G, p.Ala1636= (NM_001365684.2, NM_001409308.1, NM_001409309.1 and 1 more transcripts); c.5781C>G, p.Ala1927= (NM_001409301.1, NM_001409302.1, NM_001409303.1); c.5361C>G, p.Ala1787= (NM_001409304.1); c.5028C>G, p.Ala1676= (NM_001409305.1); c.5019C>G, p.Ala1673= (NM_001409306.1, NM_001409307.1).
Identifiers: ClinVar variation 96064 (VCV000096064.55), dbSNP rs61749654, ClinGen allele CA149203.
Genomic context (GRCh38, chr5:177,280,723, plus strand): 5'-AGACTCTGAATGCATCAACCGCATGCTGCTCTATGAGTGCCACCCCACAGTGTGTCCTGC[C>G]GGAGGGCGCTGTCAAAACCAGTGCTTTTCCAAGCGCCAATATCCAGAGGTTGAAATTTTC-3'
Protein context (NP_071900.2, residues 1917-1937): LYECHPTVCP[Ala1927=]GGRCQNQCFS

ClinVar aggregate classification (germline): Conflicting classifications of pathogenicity. Review status: criteria provided, conflicting classifications (1 of 4 stars). 12 submissions from 12 submitters: Uncertain significance (1); Benign (5); Likely benign (4). 2 of the submissions do not count toward it. Last evaluated 2026-01-27.

Conditions:
Sotos syndrome (SOTOS). Also called: CEREBRAL GIGANTISM; Distinctive facial appearance, overgrowth in childhood, and learning disabilities or delayed development; CHROMOSOME 5q35 DELETION SYNDROME; Sotos' syndrome; SOTOS SYNDROME 1. Identifiers: Orphanet 821, MedGen C0175695, MONDO:0019349, OMIM 117550.
Inborn genetic diseases. Identifiers: MedGen C0950123, MeSH D030342.

Allele frequency attached by ClinVar (database versions not stated): 1000 Genomes Project 0.00020; 1000 Genomes Project 30x 0.00031; TOPMed 0.00060; ESP Exome Variant Server 0.00077.
gnomAD v4.1: 784 of 1,614,226 alleles (0.049%); highest among the groups gnomAD compares: Middle Eastern, 0.87%; 4 homozygotes.

Submissions (12):

Labcorp Genetics (formerly Invitae), Labcorp
Classification: Benign. Last evaluated: 2026-01-27. Review status: criteria provided, single submitter. Criteria: Invitae Variant Classification Sherloc (09022015). Collection method: clinical testing. Allele origin: germline.

CeGaT Center for Human Genetics Tuebingen
Classification: Likely benign. Last evaluated: 2026-01-01. Review status: criteria provided, single submitter. Criteria: CeGaT Center For Human Genetics Tuebingen Variant Classification Criteria Version 2. Collection method: clinical testing. Allele origin: germline. Affected: yes. Observed: 9 variant alleles.
Comment: NSD1: BP4, BP7

Laboratory of Genetics, Children's Clinical University Hospital Latvia
Classification: Likely benign. Last evaluated: 2025-02-16. Review status: criteria provided, single submitter. Criteria: ACMG Guidelines, 2015. Collection method: clinical testing. Allele origin: germline. Affected: yes.

Blueprint Genetics
Classification: Likely benign. Last evaluated: 2024-11-26. Review status: criteria provided, single submitter. Criteria: ACMG Guidelines, 2015. Collection method: clinical testing. Allele origin: germline.

Institute for Clinical Genetics, University Hospital TU Dresden, University Hospital TU Dresden
Classification: Uncertain significance. Last evaluated: 2021-11-03. Review status: criteria provided, single submitter. Criteria: ACMG Guidelines, 2015. Collection method: clinical testing. Allele origin: germline.

Genome-Nilou Lab
Classification: Benign for Sotos syndrome. Last evaluated: 2021-07-15. Review status: criteria provided, single submitter. Criteria: ACMG Guidelines, 2015. Collection method: clinical testing. Allele origin: germline. Affected: no.

Ambry Genetics
Classification: Benign for Inborn genetic diseases. Last evaluated: 2019-04-27. Review status: criteria provided, single submitter. Criteria: Ambry Variant Classification Scheme 2023. Collection method: clinical testing. Allele origin: germline.

GeneDx
Classification: Benign. Last evaluated: 2017-11-07. Review status: criteria provided, single submitter. Criteria: GeneDx Variant Classification (06012015). Collection method: clinical testing. Allele origin: germline. Affected: yes.
Comment: This variant is considered likely benign or benign based on one or more of the following criteria: it is a conservative change, it occurs at a poorly conserved position in the protein, it is predicted to be benign by multiple in silico algorithms, and/or has population frequency not consistent with disease.

Genetic Services Laboratory, University of Chicago
Classification: Likely benign. Last evaluated: 2015-10-27. Review status: criteria provided, single submitter. Criteria: ACMG Guidelines, 2015. Collection method: clinical testing. Allele origin: germline. Affected: no.

Eurofins Ntd Llc (ga)
Classification: Benign. Last evaluated: 2015-05-05. Review status: criteria provided, single submitter. Criteria: EGL Classification Definitions 2015. Collection method: clinical testing. Allele origin: germline. Observed: 3 variant alleles, 3 heterozygotes.

Clinical Genetics DNA and cytogenetics Diagnostics Lab, Erasmus MC, Erasmus Medical Center
Classification: Likely benign. Review status: no assertion criteria provided. Collection method: clinical testing. Allele origin: germline. Affected: yes. Study: VKGL Data-share Consensus. Not counted in ClinVar's aggregate classification.

Laboratory of Diagnostic Genome Analysis, Leiden University Medical Center (LUMC)
Classification: Likely benign. Review status: no assertion criteria provided. Collection method: clinical testing. Allele origin: germline. Affected: yes. Study: VKGL Data-share Consensus. Not counted in ClinVar's aggregate classification.